The following is an entry in ClinVar:

NM_201384.3(PLEC):c.2516G>A (p.Trp839Ter)

Gene: PLEC (plectin; minus strand). Cytogenetic location: 8q24.3.
Variant type: single nucleotide variant.
Coding change: c.2516G>A on transcript NM_201384.3 (MANE Select); coding-DNA position 2516, G replaced by A.
Protein change: p.Trp839Ter; replaces tryptophan 839 with a stop codon.
Molecular consequence: nonsense.
Genome position (GRCh38, 1-based): chr8:143,930,240, C>T on the plus strand (G>A on the coding strand, the complement: PLEC is on the minus strand). VCF-style: chr8-143930240-C-T. GRCh37 (hg19) VCF-style: chr8-145004408-C-T.
Other names: c.2597G>A, p.Trp866Ter (NM_000445.5, NM_001410941.1); c.2474G>A, p.Trp825Ter (NM_201378.4); c.2450G>A, p.Trp817Ter (NM_201379.3); c.2927G>A, p.Trp976Ter (NM_201380.4); c.2420G>A, p.Trp807Ter (NM_201381.3); c.2516G>A, p.Trp839Ter (NM_201382.4); c.2528G>A, p.Trp843Ter (NM_201383.3); short protein forms W807*, W817*, W825*, W839*, W843*, W866*, W976*.
Identifiers: ClinVar variation 3754744 (VCV003754744.2).

ClinVar aggregate classification (germline): Pathogenic (1 of 4 stars; one submission).

Conditions:
Epidermolysis bullosa simplex with nail dystrophy (EBS5D). Identifiers: MedGen C4225309, MONDO:0014661, OMIM 616487.
Epidermolysis bullosa simplex, Ogna type (EBS5A). Also called: Pidermolysis bullosa simplex 5A, Ogna type; EPIDERMOLYSIS BULLOSA SIMPLEX 5A, OGNA TYPE. Identifiers: Orphanet 79401, MedGen C0432317, MONDO:0007555, OMIM 131950.
Autosomal recessive limb-girdle muscular dystrophy type 2Q (LGMDR17). Also called: MUSCULAR DYSTROPHY, LIMB-GIRDLE, AUTOSOMAL RECESSIVE 17. Identifiers: Orphanet 254361, MedGen C3150989, MONDO:0013390, OMIM 613723.
Epidermolysis bullosa simplex 5B, with muscular dystrophy (EBS5B). Also called: EPIDERMOLYSIS BULLOSA SIMPLEX AND LIMB-GIRDLE MUSCULAR DYSTROPHY; Epidermolysis bullosa simplex with muscular dystrophy. Identifiers: Orphanet 257, MedGen C2931072, MONDO:0009181, OMIM 226670.
Epidermolysis bullosa simplex 5C, with pyloric atresia (EBS5C). Also called: PLEC-Related Epidermolysis Bullosa with Pyloric Atresia; Epidermolysis bullosa simplex with pyloric atresia; PLEC1-Related Epidermolysis Bullosa with Pyloric Atresia. Identifiers: Orphanet 158684, MedGen C2677349, MONDO:0012807, OMIM 612138.

Submission:

Labcorp Genetics (formerly Invitae), Labcorp
Classification: Pathogenic for Autosomal recessive limb-girdle muscular dystrophy type 2Q; Epidermolysis bullosa simplex, Ogna type; Epidermolysis bullosa simplex with nail dystrophy; Epidermolysis bullosa simplex 5C, with pyloric atresia; Epidermolysis bullosa simplex 5B, with muscular dystrophy. Last evaluated: 2024-02-17. Review status: criteria provided, single submitter. Criteria: Invitae Variant Classification Sherloc (09022015). Collection method: clinical testing. Allele origin: germline.
Comment: This sequence change creates a premature translational stop signal (p.Trp866*) in the PLEC gene. It is expected to result in an absent or disrupted protein product. Loss-of-function variants in PLEC are known to be pathogenic (PMID: 20301336, 20447487, 21109228, 23289980, 28824526). This variant is not present in population databases (gnomAD no frequency). This variant has not been reported in the literature in individuals affected with PLEC-related conditions. For these reasons, this variant has been classified as Pathogenic.

Literature cited by the submitters: PubMed 20301336; PubMed 20447487; PubMed 21109228; PubMed 23289980; PubMed 28824526.